The following is an entry in ClinVar:

ClinVar aggregate classification (germline): Uncertain significance (1 of 4 stars; one submission).

Conditions:
Hereditary cancer-predisposing syndrome. Also called: Neoplastic Syndromes, Hereditary; Tumor predisposition; Hereditary Cancer Syndrome; Hereditary neoplastic syndrome. Identifiers: Orphanet 140162, MedGen C0027672, MeSH D009386, MONDO:0015356.

gnomAD v4.1: 1 of 1,614,174 alleles (0.000062%); no homozygotes.

Submission:

Ambry Genetics
Classification: Uncertain significance for Hereditary cancer-predisposing syndrome. Last evaluated: 2026-01-19. Review status: criteria provided, single submitter. Criteria: Ambry Variant Classification Scheme 2023. Collection method: clinical testing. Allele origin: germline.
Comment: The p.S39R variant (also known as c.117C>A), located in coding exon 2 of the SDHAF2 gene, results from a C to A substitution at nucleotide position 117. The serine at codon 39 is replaced by arginine, an amino acid with dissimilar properties. This amino acid position is conserved. In addition, this alteration is predicted to be tolerated by in silico analysis. Based on the available evidence, the clinical significance of this variant remains unclear.

NM_017841.4(SDHAF2):c.117C>A (p.Ser39Arg)

Gene: SDHAF2 (succinate dehydrogenase complex assembly factor 2; plus strand). Cytogenetic location: 11q12.2.
Variant type: single nucleotide variant.
Coding change: c.117C>A on transcript NM_017841.4 (MANE Select); coding-DNA position 117, C replaced by A.
Protein change: p.Ser39Arg; replaces serine 39 with arginine.
Molecular consequence: missense variant.
Genome position (GRCh38, 1-based): chr11:61,437,705, C>A. VCF-style: chr11-61437705-C-A. GRCh37 (hg19) VCF-style: chr11-61205177-C-A.
Other names: short protein forms S39R.
Identifiers: ClinVar variation 4844158 (VCV004844158.1).